The following is an entry in ClinVar:

NM_001162530.2(MNMIP1):c.813C>G (p.Leu271=)

Gene: MNMIP1 (manchette microtubule inner protein 1; plus strand). Cytogenetic location: 1p34.3.
Variant type: single nucleotide variant.
Coding change: c.813C>G on transcript NM_001162530.2 (MANE Select); coding-DNA position 813, C replaced by G.
Protein change: p.Leu271=; no amino-acid change (leucine 271 retained).
Molecular consequence: synonymous variant.
Genome position (GRCh38, 1-based): chr1:36,319,114, C>G. VCF-style: chr1-36319114-C-G. GRCh37 (hg19) VCF-style: chr1-36784715-C-G.
Other names: c.480C>G, p.Leu160= (NM_024676.5).
Identifiers: ClinVar variation 2638669 (VCV002638669.24), dbSNP rs200744125, ClinGen allele CA766950.

ClinVar aggregate classification (germline): Likely benign (1 of 4 stars; one submission).

Allele frequency attached by ClinVar (database versions not stated): gnomAD 0.00027; 1000 Genomes Project 30x 0.00031; ExAC 0.00032; 1000 Genomes Project 0.00040; ESP Exome Variant Server 0.00044.
gnomAD v4.1: 525 of 1,551,498 alleles (0.034%); highest among the groups gnomAD compares: Middle Eastern, 0.27%; 1 homozygote.

Submission:

CeGaT Center for Human Genetics Tuebingen
Classification: Likely benign. Last evaluated: 2023-01-01. Review status: criteria provided, single submitter. Criteria: CeGaT Center For Human Genetics Tuebingen Variant Classification Criteria Version 2. Collection method: clinical testing. Allele origin: germline. Affected: yes. Observed: 1 variant allele.
Comment: MNMIP1: BP4, BP7